The following is an entry in ClinVar:

ClinVar aggregate classification (germline): Uncertain significance. Review status: criteria provided, multiple submitters, no conflicts (2 of 4 stars). 2 submissions from 2 submitters: Uncertain significance (2). Last evaluated 2022-09-28.

Conditions:
Hypertrophic cardiomyopathy 11. Also called: ACTC1-Related Familial Hypertrophic Cardiomyopathy. Identifiers: MedGen C2677506, MONDO:0012799, OMIM 612098.
Dilated cardiomyopathy 1R (CMD1R). Identifiers: Orphanet 154, Orphanet 54260, MedGen C3150681, MONDO:0013261, OMIM 613424.
Atrial septal defect 5 (ASD5). Identifiers: Orphanet 1478, MedGen C2748552, MONDO:0013011, OMIM 612794.
Cardiovascular phenotype. Identifiers: MedGen CN230736.

Allele frequency attached by ClinVar (database versions not stated): gnomAD exomes below 0.00001.
gnomAD v4.1: 1 of 1,613,992 alleles (0.000062%); highest among the groups gnomAD compares: East Asian, 0.0022%; no homozygotes.

Submissions (2):

Ambry Genetics
Classification: Uncertain significance for Cardiovascular phenotype. Last evaluated: 2022-09-28. Review status: criteria provided, single submitter. Criteria: Ambry Variant Classification Scheme 2023. Collection method: clinical testing. Allele origin: germline.
Comment: The p.N298D variant (also known as c.892A>G), located in coding exon 5 of the ACTC1 gene, results from an A to G substitution at nucleotide position 892. The asparagine at codon 298 is replaced by aspartic acid, an amino acid with highly similar properties. This amino acid position is conserved. In addition, the in silico prediction for this alteration is inconclusive. Since supporting evidence is limited at this time, the clinical significance of this alteration remains unclear.

Labcorp Genetics (formerly Invitae), Labcorp
Classification: Uncertain significance for Dilated cardiomyopathy 1R; Hypertrophic cardiomyopathy 11; Atrial septal defect 5. Last evaluated: 2021-05-08. Review status: criteria provided, single submitter. Criteria: Invitae Variant Classification Sherloc (09022015). Collection method: clinical testing. Allele origin: germline.
Comment: This variant is not present in population databases (ExAC no frequency). In summary, the available evidence is currently insufficient to determine the role of this variant in disease. Therefore, it has been classified as a Variant of Uncertain Significance. Algorithms developed to predict the effect of missense changes on protein structure and function are either unavailable or do not agree on the potential impact of this missense change (SIFT: "Deleterious"; PolyPhen-2: "Benign"; Align-GVGD: "Class C15"). This variant has been observed in individual(s) with hypertrophic cardiomyopathy (Invitae). ClinVar contains an entry for this variant (Variation ID: 658563). This sequence change replaces asparagine with aspartic acid at codon 298 of the ACTC1 protein (p.Asn298Asp). The asparagine residue is highly conserved and there is a small physicochemical difference between asparagine and aspartic acid.

NM_005159.5(ACTC1):c.892A>G (p.Asn298Asp)

Genes: GJD2-DT (GJD2 divergent transcript; plus strand), ACTC1 (actin alpha cardiac muscle 1; minus strand). Cytogenetic location: 15q14.
Variant type: single nucleotide variant.
Coding change: c.892A>G on transcript NM_005159.5 (MANE Select); coding-DNA position 892, A replaced by G.
Protein change: p.Asn298Asp; replaces asparagine 298 with aspartic acid.
Molecular consequence: missense variant.
Genome position (GRCh38, 1-based): chr15:34,791,212, T>C on the plus strand (A>G on the coding strand, the complement: ACTC1 is on the minus strand). VCF-style: chr15-34791212-T-C. GRCh37 (hg19) VCF-style: chr15-35083413-T-C.
Other names: c.892A>G (LRG_388t1); short protein forms N298D.
Identifiers: ClinVar variation 658563 (VCV000658563.10), dbSNP rs1595760259, ClinGen allele CA391629486.
Genomic context (GRCh38, chr15:34,791,212, plus strand): 5'-CCTTCTGCATACGATCAGCAATACCAGGGTACATAGTGGTGCCTCCAGATAAGACATTGT[T>C]GGCATACAGGTCCTTGCGGATATCAATGTCACACTTCATGATGCTATTGTAAGTTGTTTC-3'
Protein context (NP_005150.1, residues 288-308): DIDIRKDLYA[Asn298Asp]NVLSGGTTMY